The following is an entry in ClinVar:

ClinVar aggregate classification (germline): Conflicting classifications of pathogenicity. Review status: criteria provided, conflicting classifications (1 of 4 stars). 2 submissions from 2 submitters: Uncertain significance (1); Likely benign (1). Last evaluated 2023-05-17.

Allele frequency attached by ClinVar (database versions not stated): gnomAD exomes below 0.00001; TOPMed below 0.00001; gnomAD 0.00001.

Submissions (2):

Revvity Omics, Revvity
Classification: Uncertain significance. Last evaluated: 2023-05-17. Review status: criteria provided, single submitter. Criteria: ACMG Guidelines, 2015. Collection method: clinical testing. Allele origin: germline.

Laboratory for Molecular Medicine, Mass General Brigham Personalized Medicine
Classification: Likely benign. Last evaluated: 2018-03-22. Review status: criteria provided, single submitter. Criteria: LMM Criteria. Collection method: clinical testing. Allele origin: germline. Observed: 1 variant allele.
Comment: p.Met8764Val in exon 103 of TTN: This variant classified as likely benign becaus e computational prediction tools and conservation analysis do not predict an imp act on the protein. In addition, the majority of pathogenic variants reported in the TTN gene are loss-of-function variants located in the A-band or in other hi ghly expressed exons. This is a missense variant located in the I-band. ACMG/AMP Criteria applied: BP1; BP4.

NM_001267550.2(TTN):c.30022A>G (p.Met10008Val)

Gene: TTN (titin; minus strand). Cytogenetic location: 2q31.2.
Variant type: single nucleotide variant.
Coding change: c.30022A>G on transcript NM_001267550.2 (MANE Select); coding-DNA position 30022, A replaced by G.
Protein change: p.Met10008Val; replaces methionine 10008 with valine.
Molecular consequence: missense variant. On other transcripts: intron variant (3).
Genome position (GRCh38, 1-based): chr2:178,704,348, T>C on the plus strand (A>G on the coding strand, the complement: TTN is on the minus strand). VCF-style: chr2-178704348-T-C. GRCh37 (hg19) VCF-style: chr2-179569075-T-C.
Other names: c.26290A>G, p.Met8764Val (NM_133378.4); c.29071A>G, p.Met9691Val (NM_001256850.1); c.13282+33734A>G (NM_003319.4); c.13858+33734A>G (NM_133437.4); c.13657+33734A>G (NM_133432.3); short protein forms M10008V, M8764V, M9691V.
Identifiers: ClinVar variation 505080 (VCV000505080.7), dbSNP rs1553877757, ClinGen allele CA349576091.